The following is an entry in ClinVar:

ClinVar aggregate classification (germline): Uncertain significance (1 of 4 stars; one submission).

Conditions:
Propionic acidemia (PROP). Also called: KETOTIC HYPERGLYCINEMIA; GLYCINEMIA, KETOTIC; HYPERGLYCINEMIA WITH KETOACIDOSIS AND LEUKOPENIA. Identifiers: Orphanet 35, MedGen C0268579, MONDO:0011628, OMIM 606054, HP:0003571.

Submission:

Hunan Provincial Maternal and Child Health Care Hospital
Classification: Uncertain significance for Propionic acidemia. Last evaluated: 2025-04-16. Review status: criteria provided, single submitter. Criteria: ACMG Guidelines, 2015. Collection method: research. Allele origin: paternal. Affected: yes. Observed: 1 variant allele.
Comment: In vitro experimental assays demonstrated that the c.366_372+7del mutation affects mRNA alternative splicing. This mutation leads to Exon 3 skipping, with a significant increase in the proportion of Exon 2 skipping and Exon 3 skipping. Exon 3 skipping is represented at the cDNA and protein levels as: c.304_372del p.Phe102_Gln124del The mutation does not alter the downstream reading frame but results in an internal deletion of 23 amino acids, potentially producing a truncated protein of 516 aa. The concurrent skipping of exons 2 and 3 manifests at both cDNA and protein levels as c.184_372del (p.Gly62_Gln124del). This in-frame deletion causes a 63-amino-acid loss while preserving the reading frame, potentially generating a 476-amino-acid truncated protein product.

NM_000532.5(PCCB):c.366_372+7del

Gene: PCCB (propionyl-CoA carboxylase subunit beta; plus strand). Cytogenetic location: 3q22.3.
Variant type: Deletion.
Coding change: c.366_372+7del on transcript NM_000532.5 (MANE Select); coding-DNA position 366 through 7 bases into the intron after coding-DNA position 372, 14 bases deleted (CAGTCAGGTATTTC).
Molecular consequence: splice donor variant.
Genome position (GRCh38, 1-based): chr3:136,256,617-136,256,630, CAGTCAGGTATTTC deleted. VCF-style (leftmost placement, unchanged base first): chr3-136256616-TCAGTCAGGTATTTC-T. GRCh37 (hg19) VCF-style: chr3-135975458-TCAGTCAGGTATTTC-T.
Other names: c.366_372+7del (NM_001178014.2).
Identifiers: ClinVar variation 3899325 (VCV003899325.1).